The following is an entry in ClinVar:

ClinVar aggregate classification (germline): Uncertain significance. Review status: criteria provided, multiple submitters, no conflicts (2 of 4 stars). 4 submissions from 4 submitters: Uncertain significance (4). Last evaluated 2024-08-29.

Conditions:
Spastic paraplegia. Identifiers: MedGen C0037772, HP:0001258.
Hereditary spastic paraplegia 26 (SPG26). Also called: SPASTIC PARAPLEGIA 26, AUTOSOMAL RECESSIVE. Identifiers: Orphanet 101006, MedGen C1836632, MONDO:0012213, OMIM 609195.

Allele frequency attached by ClinVar (database versions not stated): ESP Exome Variant Server 0.00008; ExAC 0.00014; gnomAD 0.00017 and 0.00019; gnomAD exomes 0.00018 and 0.00035; 1000 Genomes Project 0.00020; TOPMed 0.00025; 1000 Genomes Project 30x 0.00031.
gnomAD v4.1: 543 of 1,614,270 alleles (0.034%); highest among the groups gnomAD compares: Non-Finnish European, 0.04%; no homozygotes.

Submissions (4):

Blueprint Genetics
Classification: Uncertain significance. Last evaluated: 2024-08-29. Review status: criteria provided, single submitter. Criteria: ACMG Guidelines, 2015. Collection method: clinical testing. Allele origin: germline.

Pittsburgh Clinical Genomics Laboratory, University of Pittsburgh Medical Center
Classification: Uncertain significance for Hereditary spastic paraplegia 26. Last evaluated: 2023-03-24. Review status: criteria provided, single submitter. Criteria: ACMG Guidelines, 2015. Collection method: clinical testing. Allele origin: germline. Inheritance: Autosomal recessive inheritance. Affected: yes.
Comment: This sequence variant is a single nucleotide substitution (A>G) at coding position 1048 of the B4GALNT1 gene that results in a lysine to glutamic acid amino acid change at residue 350 of the B4GALNT1 protein. This is a previously reported variant (ClinVar) that has not been observed in the literature in individuals with B4GALNT1-related illness, to our knowledge. This variant is present in the gnomAD population database (48 of 282864 alleles or 0.017%). Bioinformatic tools predict that this variant would be damaging, and the Lys350 residue is well conserved across the vertebrate species examined. Functiol studies testing the effect of this variant on protein activity have not been performed, to our knowledge. At this time, there is insufficient evidence to determine if this variant is pathogenic or benign. Therefore, we consider this a variant of uncertain significance. ACMG Criteria: PP3

Labcorp Genetics (formerly Invitae), Labcorp
Classification: Uncertain significance for Spastic paraplegia. Last evaluated: 2022-08-23. Review status: criteria provided, single submitter. Criteria: Invitae Variant Classification Sherloc (09022015). Collection method: clinical testing. Allele origin: germline.
Comment: This sequence change replaces lysine, which is basic and polar, with glutamic acid, which is acidic and polar, at codon 350 of the B4GALNT1 protein (p.Lys350Glu). This variant is present in population databases (rs144643461, gnomAD 0.04%). This variant has not been reported in the literature in individuals affected with B4GALNT1-related conditions. ClinVar contains an entry for this variant (Variation ID: 458218). Algorithms developed to predict the effect of missense changes on protein structure and function (SIFT, PolyPhen-2, Align-GVGD) all suggest that this variant is likely to be tolerated. In summary, the available evidence is currently insufficient to determine the role of this variant in disease. Therefore, it has been classified as a Variant of Uncertain Significance.

Mayo Clinic Laboratories, Mayo Clinic
Classification: Uncertain significance. Last evaluated: 2019-08-05. Review status: criteria provided, single submitter. Criteria: ACMG Guidelines, 2015. Collection method: clinical testing. Allele origin: germline. Observed: 1 variant allele.

NM_001478.5(B4GALNT1):c.1048A>G (p.Lys350Glu)

Gene: B4GALNT1 (beta-1,4-N-acetyl-galactosaminyltransferase 1; minus strand). Cytogenetic location: 12q13.3.
Variant type: single nucleotide variant.
Coding change: c.1048A>G on transcript NM_001478.5 (MANE Select); coding-DNA position 1048, A replaced by G.
Protein change: p.Lys350Glu; replaces lysine 350 with glutamic acid.
Molecular consequence: missense variant.
Genome position (GRCh38, 1-based): chr12:57,628,217, T>C on the plus strand (A>G on the coding strand, the complement: B4GALNT1 is on the minus strand). VCF-style: chr12-57628217-T-C. GRCh37 (hg19) VCF-style: chr12-58022000-T-C.
Other names: c.883A>G, p.Lys295Glu (NM_001276468.2); short protein forms K350E, K295E.
Identifiers: ClinVar variation 458218 (VCV000458218.13), dbSNP rs144643461, ClinGen allele CA6655545.